The following is an entry in ClinVar:

ClinVar aggregate classification (germline): Pathogenic (1 of 4 stars; one submission).

Conditions:
WDR26-related disorder. Also called: WDR26-related condition.

Submission:

PreventionGenetics, part of Exact Sciences
Classification: Pathogenic for WDR26-related condition. Last evaluated: 2022-12-01. Review status: criteria provided, single submitter. Criteria: ACMG Guidelines, 2015. Collection method: clinical testing. Allele origin: germline.
Comment: The WDR26 c.904C>T variant is predicted to result in premature protein termination (p.Gln302*). To our knowledge, this variant has not been reported in the literature or in a large population database, indicating this variant is rare. Nonsense variants in WDR26 are expected to be pathogenic. This variant is interpreted as pathogenic.

NM_001379403.1(WDR26):c.1204C>T (p.Gln402Ter)

Gene: WDR26 (WD repeat domain 26; minus strand). Cytogenetic location: 1q42.12.
Variant type: single nucleotide variant.
Coding change: c.1204C>T on transcript NM_001379403.1 (MANE Select); coding-DNA position 1204, C replaced by T.
Protein change: p.Gln402Ter; replaces glutamine 402 with a stop codon.
Molecular consequence: nonsense.
Genome position (GRCh38, 1-based): chr1:224,418,375, G>A on the plus strand (C>T on the coding strand, the complement: WDR26 is on the minus strand). VCF-style: chr1-224418375-G-A. GRCh37 (hg19) VCF-style: chr1-224606077-G-A.
Other names: c.856C>T, p.Gln286Ter (NM_001115113.3); c.904C>T, p.Gln302Ter (NM_025160.7); short protein forms Q286*, Q302*, Q402*.
Identifiers: ClinVar variation 2635151 (VCV002635151.1), dbSNP rs2464743516, ClinGen allele CA344750041.